The following is an entry in ClinVar:

NM_130837.3(OPA1):c.2984A>G (p.Lys995Arg)

Gene: OPA1 (OPA1 mitochondrial dynamin like GTPase; plus strand). Cytogenetic location: 3q29.
Variant type: single nucleotide variant.
Coding change: c.2984A>G on transcript NM_130837.3 (MANE Select); coding-DNA position 2984, A replaced by G.
Protein change: p.Lys995Arg; replaces lysine 995 with arginine.
Molecular consequence: missense variant.
Genome position (GRCh38, 1-based): chr3:193,692,063, A>G. VCF-style: chr3-193692063-A-G. GRCh37 (hg19) VCF-style: chr3-193409852-A-G.
Other names: c.2450A>G, p.Lys817Arg (NM_001354663.2); c.2447A>G, p.Lys816Arg (NM_001354664.2); c.2819A>G, p.Lys940Arg (NM_015560.3); c.2711A>G, p.Lys904Arg (NM_130831.3); c.2765A>G, p.Lys922Arg (NM_130832.3); c.2822A>G, p.Lys941Arg (NM_130833.3); c.2873A>G, p.Lys958Arg (NM_130834.3); c.2876A>G, p.Lys959Arg (NM_130835.3); and 1 more; short protein forms K816R, K817R, K904R, K922R, K940R, K941R, K958R, K959R.
Identifiers: ClinVar variation 3368611 (VCV003368611.3).

ClinVar aggregate classification (germline): Uncertain significance. Review status: criteria provided, multiple submitters, no conflicts (2 of 4 stars). 2 submissions from 2 submitters: Uncertain significance (2). Last evaluated 2024-11-19.

gnomAD v4.1: 3 of 1,505,648 alleles (0.0002%); highest among the groups gnomAD compares: Non-Finnish European, 0.00027%; no homozygotes.

Submissions (2):

Labcorp Genetics (formerly Invitae), Labcorp
Classification: Uncertain significance. Last evaluated: 2024-11-19. Review status: criteria provided, single submitter. Criteria: Invitae Variant Classification Sherloc (09022015). Collection method: clinical testing. Allele origin: germline.
Comment: This sequence change replaces lysine, which is basic and polar, with arginine, which is basic and polar, at codon 940 of the OPA1 protein (p.Lys940Arg). This variant is not present in population databases (gnomAD no frequency). This variant has not been reported in the literature in individuals affected with OPA1-related conditions. An algorithm developed to predict the effect of missense changes on protein structure and function (PolyPhen-2) suggests that this variant is likely to be tolerated. In summary, the available evidence is currently insufficient to determine the role of this variant in disease. Therefore, it has been classified as a Variant of Uncertain Significance.

GeneDx
Classification: Uncertain significance. Last evaluated: 2024-02-05. Review status: criteria provided, single submitter. Criteria: GeneDx Variant Classification Process June 2021. Collection method: clinical testing. Allele origin: germline. Affected: yes.
Comment: Not observed at significant frequency in large population cohorts (gnomAD); In silico analysis supports that this missense variant does not alter protein structure/function; Has not been previously published as pathogenic or benign to our knowledge